The following is an entry in ClinVar:

NM_182961.4(SYNE1):c.10800G>A (p.Leu3600=)

Gene: SYNE1 (spectrin repeat containing nuclear envelope protein 1; minus strand). Cytogenetic location: 6q25.2.
Variant type: single nucleotide variant.
Coding change: c.10800G>A on transcript NM_182961.4 (MANE Select); coding-DNA position 10800, G replaced by A.
Protein change: p.Leu3600=; no amino-acid change (leucine 3600 retained).
Molecular consequence: synonymous variant.
Genome position (GRCh38, 1-based): chr6:152,354,785, C>T on the plus strand (G>A on the coding strand, the complement: SYNE1 is on the minus strand). VCF-style: chr6-152354785-C-T. GRCh37 (hg19) VCF-style: chr6-152675920-C-T.
Other names: c.10821G>A, p.Leu3607= (NM_033071.5).
Identifiers: ClinVar variation 288384 (VCV000288384.19), dbSNP rs114858512, ClinGen allele CA4056871.

ClinVar aggregate classification (germline): Conflicting classifications of pathogenicity. Review status: criteria provided, conflicting classifications (1 of 4 stars). 4 submissions from 4 submitters: Uncertain significance (2); Benign (1); Likely benign (1). Last evaluated 2025-06-12.

Conditions:
Autosomal recessive ataxia, Beauce type. Also called: Spinocerebellar ataxia, autosomal recessive 8; ATAXIA, RECESSIVE, OF BEAUCE; SYNE1 Deficiency; SYNE1-Related Autosomal Recessive Cerebellar Ataxia. Identifiers: Orphanet 88644, MedGen C1853116, MONDO:0012549, OMIM 610743.
Emery-Dreifuss muscular dystrophy 4, autosomal dominant (EDMD4). Also called: EMERY-DREIFUSS MUSCULAR DYSTROPHY 4 WITH VARIABLE FEATURES. Identifiers: Orphanet 261, MedGen C2751807, MONDO:0013071, OMIM 612998.

Allele frequency attached by ClinVar (database versions not stated): gnomAD exomes 0.00007 and 0.00016; ExAC 0.00020; gnomAD 0.00076 and 0.00081; TOPMed 0.00079; ESP Exome Variant Server 0.00085; 1000 Genomes Project 0.00120; 1000 Genomes Project 30x 0.00141.
gnomAD v4.1: 211 of 1,614,210 alleles (0.013%); highest among the groups gnomAD compares: African/African-American, 0.26%; no homozygotes.

Submissions (4):

Labcorp Genetics (formerly Invitae), Labcorp
Classification: Likely benign for Emery-Dreifuss muscular dystrophy 4, autosomal dominant; Autosomal recessive ataxia, Beauce type. Last evaluated: 2025-06-12. Review status: criteria provided, single submitter. Criteria: Invitae Variant Classification Sherloc (09022015). Collection method: clinical testing. Allele origin: germline.

Athena Diagnostics
Classification: Benign. Last evaluated: 2024-11-18. Review status: criteria provided, single submitter. Criteria: Athena Diagnostics Criteria. Collection method: clinical testing. Allele origin: unknown.

GeneDx
Classification: Uncertain significance. Last evaluated: 2024-09-25. Review status: criteria provided, single submitter. Criteria: GeneDx Variant Classification Process June 2021. Collection method: clinical testing. Allele origin: germline. Affected: yes.
Comment: In silico analysis indicates that this variant does not alter splicing; Has not been previously published as pathogenic or benign to our knowledge

Eurofins Ntd Llc (ga)
Classification: Uncertain significance. Last evaluated: 2016-05-31. Review status: criteria provided, single submitter. Criteria: EGL Classification Definitions 2015. Collection method: clinical testing. Allele origin: germline. Observed: 4 variant alleles, 4 heterozygotes.